The following is an entry in ClinVar:

NM_138694.4(PKHD1):c.8486T>C (p.Leu2829Pro)

Gene: PKHD1 (PKHD1 ciliary IPT domain containing fibrocystin/polyductin; minus strand). Cytogenetic location: 6p12.3.
Variant type: single nucleotide variant.
Coding change: c.8486T>C on transcript NM_138694.4 (MANE Select); coding-DNA position 8486, T replaced by C.
Protein change: p.Leu2829Pro; replaces leucine 2829 with proline.
Molecular consequence: missense variant.
Genome position (GRCh38, 1-based): chr6:51,775,876, A>G on the plus strand (T>C on the coding strand, the complement: PKHD1 is on the minus strand). VCF-style: chr6-51775876-A-G. GRCh37 (hg19) VCF-style: chr6-51640674-A-G.
Other names: c.8486T>C, p.Leu2829Pro (NM_170724.3); short protein forms L2829P.
Identifiers: ClinVar variation 4855587 (VCV004855587.1).

ClinVar aggregate classification (germline): Uncertain significance (1 of 4 stars; one submission).

Conditions:
Polycystic kidney disease 4 (PKD4). Also called: Autosomal Recessive Polycystic Kidney Disease – PKHD1; POLYCYSTIC KIDNEY DISEASE 4 WITH OR WITHOUT POLYCYSTIC LIVER DISEASE; PKD3; POLYCYSTIC KIDNEY AND HEPATIC DISEASE 1; POLYCYSTIC KIDNEY DISEASE, INFANTILE, TYPE I. Identifiers: MedGen C4540575, MONDO:0033004, OMIM 263200.

Submission:

3billion
Classification: Uncertain significance for Polycystic kidney disease 4. Last evaluated: 2025-08-08. Review status: criteria provided, single submitter. Criteria: ACMG Guidelines, 2015. Collection method: clinical testing. Allele origin: germline. Affected: yes.
Comment: The variant is not observed in the gnomAD v4.1.0 dataset. Predicted Consequence/Location: Missense variant. The majority of the known disease-causing variants of this gene are variants expected to result in premature termination of the protein. In silico tool predictions suggest damaging effect of the variant on gene or gene product [REVEL: 0.61 (>=0.6, sensitivity 0.68 and specificity 0.92)]. The variant has been reported as of uncertain significance (PMID: 32502767; 3billion dataset). Therefore, this variant is classified as VUS according to the recommendation of ACMG/AMP guideline.